The following is an entry in ClinVar:

NM_020812.4(DOCK6):c.4732C>T (p.Leu1578Phe)

Genes: DOCK6 (dedicator of cytokinesis 6; minus strand), DOCK6-AS1 (DOCK6 antisense RNA 1; plus strand). Cytogenetic location: 19p13.2.
Variant type: single nucleotide variant.
Coding change: c.4732C>T on transcript NM_020812.4 (MANE Select); coding-DNA position 4732, C replaced by T.
Protein change: p.Leu1578Phe; replaces leucine 1578 with phenylalanine.
Molecular consequence: missense variant.
Genome position (GRCh38, 1-based): chr19:11,211,795, G>A on the plus strand (C>T on the coding strand, the complement: DOCK6 is on the minus strand). VCF-style: chr19-11211795-G-A. GRCh37 (hg19) VCF-style: chr19-11322471-G-A.
Other names: c.4837C>T, p.Leu1613Phe (NM_001367830.1); short protein forms L1578F, L1613F.
Identifiers: ClinVar variation 1420656 (VCV001420656.7), dbSNP rs765850523, ClinGen allele CA9206756.

ClinVar aggregate classification (germline): Uncertain significance. Review status: criteria provided, multiple submitters, no conflicts (2 of 4 stars). 2 submissions from 2 submitters: Uncertain significance (2). Last evaluated 2024-10-22.

Allele frequency attached by ClinVar (database versions not stated): TOPMed 0.00004; gnomAD 0.00005 and 0.00007; gnomAD exomes 0.00007 and 0.00010; ExAC 0.00024.
gnomAD v4.1: 114 of 1,551,462 alleles (0.0073%); highest among the groups gnomAD compares: South Asian, 0.023%; no homozygotes.

Submissions (2):

Labcorp Genetics (formerly Invitae), Labcorp
Classification: Uncertain significance. Last evaluated: 2024-10-22. Review status: criteria provided, single submitter. Criteria: Invitae Variant Classification Sherloc (09022015). Collection method: clinical testing. Allele origin: germline.
Comment: This sequence change replaces leucine, which is neutral and non-polar, with phenylalanine, which is neutral and non-polar, at codon 1578 of the DOCK6 protein (p.Leu1578Phe). This variant is present in population databases (rs765850523, gnomAD 0.01%). This missense change has been observed in individual(s) with clinical features of DOCK6-related conditions (PMID: 32657593). ClinVar contains an entry for this variant (Variation ID: 1420656). Invitae Evidence Modeling of protein sequence and biophysical properties (such as structural, functional, and spatial information, amino acid conservation, physicochemical variation, residue mobility, and thermodynamic stability) indicates that this missense variant is expected to disrupt DOCK6 protein function with a positive predictive value of 80%. In summary, the available evidence is currently insufficient to determine the role of this variant in disease. Therefore, it has been classified as a Variant of Uncertain Significance.

Blueprint Genetics
Classification: Uncertain significance. Last evaluated: 2023-09-15. Review status: criteria provided, single submitter. Criteria: ACMG Guidelines, 2015. Collection method: clinical testing. Allele origin: germline.

Literature cited by the submitters: PubMed 32657593 (cited by Labcorp Genetics (formerly Invitae), Labcorp).